The following is an entry in ClinVar:

ClinVar aggregate classification (germline): Uncertain significance. Review status: criteria provided, multiple submitters, no conflicts (2 of 4 stars). 3 submissions from 3 submitters: Uncertain significance (3). Last evaluated 2026-06-08.

Conditions:
Cardiovascular phenotype. Identifiers: MedGen CN230736.
TNXB-related disorder. Also called: TNXB-related condition.

Allele frequency attached by ClinVar (database versions not stated): gnomAD 0.00001; TOPMed 0.00001.
gnomAD v4.1: 52 of 1,612,558 alleles (0.0032%); highest among the groups gnomAD compares: Non-Finnish European, 0.0043%; no homozygotes.

Submissions (3):

Women's Health and Genetics/Laboratory Corporation of America, LabCorp
Classification: Uncertain significance. Last evaluated: 2026-06-08. Review status: criteria provided, single submitter. Criteria: LabCorp Variant Classification Summary - May 2015. Collection method: clinical testing. Allele origin: germline.

PreventionGenetics, part of Exact Sciences
Classification: Uncertain significance for TNXB-related condition. Last evaluated: 2025-01-11. Review status: criteria provided, single submitter. Criteria: ACMG Guidelines, 2015. Collection method: clinical testing. Allele origin: germline.
Comment: The TNXB c.7858A>C variant is predicted to result in the amino acid substitution p.Thr2620Pro. To our knowledge, this variant has not been reported in the literature. This variant is reported in 0.0018% of alleles in individuals of European (Non-Finnish) descent in gnomAD. At this time, the clinical significance of this variant is uncertain due to the absence of conclusive functional and genetic evidence.

Ambry Genetics
Classification: Uncertain significance for Cardiovascular phenotype. Last evaluated: 2023-09-20. Review status: criteria provided, single submitter. Criteria: Ambry Variant Classification Scheme 2023. Collection method: clinical testing. Allele origin: germline.

NM_001365276.2(TNXB):c.7858A>C (p.Thr2620Pro)

Gene: TNXB (tenascin XB; minus strand). Cytogenetic location: 6p21.33.
Variant type: single nucleotide variant.
Coding change: c.7858A>C on transcript NM_001365276.2 (MANE Select); coding-DNA position 7858, A replaced by C.
Protein change: p.Thr2620Pro; replaces threonine 2620 with proline.
Molecular consequence: missense variant.
Genome position (GRCh38, 1-based): chr6:32,056,871, T>G on the plus strand (A>C on the coding strand, the complement: TNXB is on the minus strand). VCF-style: chr6-32056871-T-G. GRCh37 (hg19) VCF-style: chr6-32024648-T-G.
Other names: c.7858A>C, p.Thr2620Pro (NM_019105.8); short protein forms T2620P.
Identifiers: ClinVar variation 2464419 (VCV002464419.4), dbSNP rs1464255339, ClinGen allele CA363550600.
Genomic context (GRCh38, chr6:32,056,871, plus strand): 5'-TGGCATCTGTCATGGTCAGCTCCCCCAGGCGAGGCTTGATGGGGGGCTCAGGGGTCATGG[T>G]AGGCACTGCTTGGGTGGTCTCGGCTTCATCCTCTGGAGTTGGACAGACACGTGTGGGGAC-3'
Protein context (NP_001352205.1, residues 2610-2630): DEAETTQAVP[Thr2620Pro]MTPEPPIKPR